The following is an entry in ClinVar:

ClinVar aggregate classification (germline): Likely benign. Review status: criteria provided, multiple submitters, no conflicts (2 of 4 stars). 4 submissions from 4 submitters: Likely benign (3). 1 of the submissions does not count toward it. Last evaluated 2026-01-15.

Conditions:
MYH9-related disorder. Identifiers: MedGen C1854520.
Macrothrombocytopenia and granulocyte inclusions with or without nephritis or sensorineural hearing loss (MATINS). Also called: BLEEDING DISORDER, PLATELET-TYPE, 6; MACROTHROMBOCYTOPENIA, NEPHRITIS, AND DEAFNESS; MACROTHROMBOCYTOPENIA, NEPHRITIS, DEAFNESS, AND LEUKOCYTE INCLUSIONS; ALPORT SYNDROME WITH MACROTHROMBOCYTOPENIA; Fechtner syndrome; Epstein syndrome. Identifiers: Orphanet 182050, MedGen C5200934, MONDO:0015912, OMIM 155100.
Autosomal dominant nonsyndromic hearing loss 17. Also called: Autosomal dominant nonsyndromic deafness 17; Deafness, autosomal dominant 17. Identifiers: Orphanet 90635, MedGen C1863659, MONDO:0011350, OMIM 603622.

Allele frequency attached by ClinVar (database versions not stated): TOPMed below 0.00001; gnomAD 0.00001 and 0.00005; gnomAD exomes 0.00009 and 0.00007; ExAC 0.00010; 1000 Genomes Project 30x 0.00031; 1000 Genomes Project 0.00040.

Submissions (4):

Labcorp Genetics (formerly Invitae), Labcorp
Classification: Likely benign. Last evaluated: 2026-01-15. Review status: criteria provided, single submitter. Criteria: Invitae Variant Classification Sherloc (09022015). Collection method: clinical testing. Allele origin: germline.

Fulgent Genetics
Classification: Likely benign for Macrothrombocytopenia and granulocyte inclusions with or without nephritis or sensorineural hearing loss; Autosomal dominant nonsyndromic hearing loss 17. Last evaluated: 2021-11-06. Review status: criteria provided, single submitter. Criteria: ACMG Guidelines, 2015. Collection method: clinical testing. Allele origin: unknown.

Laboratory for Molecular Medicine, Mass General Brigham Personalized Medicine
Classification: Likely benign. Last evaluated: 2015-03-19. Review status: criteria provided, single submitter. Criteria: LMM Criteria. Collection method: clinical testing. Allele origin: germline. Observed: 1 variant allele.
Comment: p.Pro296Pro in exon 9 of MYH9: This variant is not expected to have clinical sig nificance because it does not alter an amino acid residue and is not located wit hin the splice consensus sequence. It has been identified in 9/16512 South Asian chromosomes by the Exome Aggregation Consortium (ExAC).

PreventionGenetics, part of Exact Sciences
Classification: Likely benign for MYH9-related condition. Last evaluated: 2021-10-05. Review status: no assertion criteria provided. Collection method: clinical testing. Allele origin: germline. Not counted in ClinVar's aggregate classification.
Comment: This variant is classified as likely benign based on ACMG/AMP sequence variant interpretation guidelines (Richards et al. 2015 PMID: 25741868, with internal and published modifications).

NM_002473.6(MYH9):c.888G>A (p.Pro296=)

Gene: MYH9 (myosin heavy chain 9; minus strand). Cytogenetic location: 22q12.3.
Variant type: single nucleotide variant.
Coding change: c.888G>A on transcript NM_002473.6 (MANE Select); coding-DNA position 888, G replaced by A.
Protein change: p.Pro296=; no amino-acid change (proline 296 retained).
Molecular consequence: synonymous variant.
Genome position (GRCh38, 1-based): chr22:36,320,344, C>T on the plus strand (G>A on the coding strand, the complement: MYH9 is on the minus strand). VCF-style: chr22-36320344-C-T. GRCh37 (hg19) VCF-style: chr22-36716389-C-T.
Identifiers: ClinVar variation 227620 (VCV000227620.15), dbSNP rs559813309, ClinGen allele CA10210429.